The following is an entry in ClinVar:

ClinVar aggregate classification (germline): Uncertain significance. Review status: criteria provided, multiple submitters, no conflicts (2 of 4 stars). 2 submissions from 2 submitters: Uncertain significance (2). Last evaluated 2024-09-04.

Conditions:
Cardiovascular phenotype. Identifiers: MedGen CN230736.
Brugada syndrome. Also called: Sudden unexpected nocturnal death syndrome; Sudden unexplained nocturnal death syndrome; Sudden Unexplained Death Syndrome; Sudden Unexplained Nocturnal Death Syndrome (SUNDS). Identifiers: Orphanet 130, MedGen C1142166, MONDO:0015263.

gnomAD v4.1: 2 of 1,614,220 alleles (0.00012%); highest among the groups gnomAD compares: Non-Finnish European, 0.00017%; no homozygotes.

Submissions (2):

Ambry Genetics
Classification: Uncertain significance for Cardiovascular phenotype. Last evaluated: 2024-09-04. Review status: criteria provided, single submitter. Criteria: Ambry Variant Classification Scheme 2023. Collection method: clinical testing. Allele origin: germline.
Comment: The p.R30S variant (also known as c.88C>A), located in coding exon 1 of the KCNJ8 gene, results from a C to A substitution at nucleotide position 88. The arginine at codon 30 is replaced by serine, an amino acid with dissimilar properties. This amino acid position is highly conserved in available vertebrate species. In addition, the in silico prediction for this alteration is inconclusive. The evidence for this gene-disease relationship is limited; therefore, the clinical significance of this alteration is unclear.

Labcorp Genetics (formerly Invitae), Labcorp
Classification: Uncertain significance for Brugada syndrome. Last evaluated: 2022-08-16. Review status: criteria provided, single submitter. Criteria: Invitae Variant Classification Sherloc (09022015). Collection method: clinical testing. Allele origin: germline.
Comment: Advanced modeling of protein sequence and biophysical properties (such as structural, functional, and spatial information, amino acid conservation, physicochemical variation, residue mobility, and thermodynamic stability) performed at Invitae indicates that this missense variant is not expected to disrupt KCNJ8 protein function. In summary, the available evidence is currently insufficient to determine the role of this variant in disease. Therefore, it has been classified as a Variant of Uncertain Significance. ClinVar contains an entry for this variant (Variation ID: 519449). This sequence change replaces arginine, which is basic and polar, with serine, which is neutral and polar, at codon 30 of the KCNJ8 protein (p.Arg30Ser). This variant is not present in population databases (gnomAD no frequency). This variant has not been reported in the literature in individuals affected with KCNJ8-related conditions.

NM_004982.4(KCNJ8):c.88C>A (p.Arg30Ser)

Genes: KCNJ8 (potassium inwardly rectifying channel subfamily J member 8; minus strand), KCNJ8-AS1 (KCNJ8 antisense RNA 1; plus strand). Cytogenetic location: 12p12.1.
Variant type: single nucleotide variant.
Coding change: c.88C>A on transcript NM_004982.4 (MANE Select); coding-DNA position 88, C replaced by A.
Protein change: p.Arg30Ser; replaces arginine 30 with serine.
Molecular consequence: missense variant.
Genome position (GRCh38, 1-based): chr12:21,773,529, G>T on the plus strand (C>A on the coding strand, the complement: KCNJ8 is on the minus strand). VCF-style: chr12-21773529-G-T. GRCh37 (hg19) VCF-style: chr12-21926463-G-T.
Other names: short protein forms R30S.
Identifiers: ClinVar variation 519449 (VCV000519449.16), dbSNP rs749697322, ClinGen allele CA384132280.